The following is an entry in ClinVar:

ClinVar aggregate classification (germline): Conflicting classifications of pathogenicity. Review status: criteria provided, conflicting classifications (1 of 4 stars). 5 submissions from 5 submitters: Uncertain significance (1); Benign (1); Likely benign (3). Last evaluated 2025-03-27.

Conditions:
Mowat-Wilson syndrome (MOWS). Also called: Classic Mowat-Wilson Syndrome. Identifiers: Orphanet 2152, MedGen C1856113, MONDO:0009341, OMIM 235730.

Allele frequency attached by ClinVar (database versions not stated): ExAC 0.00001; gnomAD exomes 0.00002 and 0.00007; TOPMed 0.00002; gnomAD 0.00003 and 0.00004.
gnomAD v4.1: 106 of 1,613,682 alleles (0.0066%); highest among the groups gnomAD compares: Non-Finnish European, 0.0088%; no homozygotes.

Submissions (5):

Labcorp Genetics (formerly Invitae), Labcorp
Classification: Likely benign for Mowat-Wilson syndrome. Last evaluated: 2025-03-27. Review status: criteria provided, single submitter. Criteria: Invitae Variant Classification Sherloc (09022015). Collection method: clinical testing. Allele origin: germline.

Genome-Nilou Lab
Classification: Likely benign for Mowat-Wilson syndrome. Last evaluated: 2021-11-07. Review status: criteria provided, single submitter. Criteria: ACMG Guidelines, 2015. Collection method: clinical testing. Allele origin: germline. Affected: no.

Center for Genomics, Ann and Robert H. Lurie Children's Hospital of Chicago
Classification: Uncertain significance for Mowat-Wilson syndrome. Last evaluated: 2021-03-30. Review status: criteria provided, single submitter. Criteria: ACMG Guidelines, 2015. Collection method: clinical testing. Allele origin: germline.
Comment: ZEB2 NM_014795 exon 4 c.332-6C>T: This variant has not been reported in the literature but is present in 6/126286 European alleles in the Genome Aggregation Database. This variant is present in ClinVar (Variation ID:181725). Evolutionary conservation and computational predictive tools for this variant are limited or unavailable. This variant is an intronic variant with no predicted change in the amino acid sequence but may have an unknown effect on splicing. Further studies are needed to understand its impact. In summary, data on this variant is insufficient for disease classification. Therefore, the clinical significance of this variant is uncertain.

Genetic Services Laboratory, University of Chicago
Classification: Likely benign. Last evaluated: 2017-07-10. Review status: criteria provided, single submitter. Criteria: ACMG Guidelines, 2015. Collection method: clinical testing. Allele origin: germline. Affected: no.

GeneDx
Classification: Benign. Last evaluated: 2014-10-24. Review status: criteria provided, single submitter. Criteria: GeneDx Variant Classification (06012015). Collection method: clinical testing. Allele origin: germline. Affected: yes.
Comment: This variant is considered likely benign or benign based on one or more of the following criteria: it is a conservative change, it occurs at a poorly conserved position in the protein, it is predicted to be benign by multiple in silico algorithms, and/or has population frequency not consistent with disease.

NM_014795.4(ZEB2):c.332-6C>T

Gene: ZEB2 (zinc finger E-box binding homeobox 2; minus strand). Cytogenetic location: 2q22.3.
Variant type: single nucleotide variant.
Coding change: c.332-6C>T on transcript NM_014795.4 (MANE Select); 6 bases into the intron before coding-DNA position 332, C replaced by T.
Molecular consequence: intron variant.
Genome position (GRCh38, 1-based): chr2:144,424,873, G>A on the plus strand (C>T on the coding strand, the complement: ZEB2 is on the minus strand). VCF-style: chr2-144424873-G-A. GRCh37 (hg19) VCF-style: chr2-145182440-G-A.
Other names: c.331+4896C>T (NM_001171653.2).
Identifiers: ClinVar variation 181725 (VCV000181725.20), dbSNP rs730881186, ClinGen allele CA297582.